The following is an entry in ClinVar:

NM_001388453.1(QRICH2):c.1103T>C (p.Leu368Ser)

Gene: QRICH2 (glutamine rich 2; minus strand). Cytogenetic location: 17q25.1.
Variant type: single nucleotide variant.
Coding change: c.1103T>C on transcript NM_001388453.1 (MANE Select); coding-DNA position 1103, T replaced by C.
Protein change: p.Leu368Ser; replaces leucine 368 with serine.
Molecular consequence: missense variant.
Genome position (GRCh38, 1-based): chr17:76,293,624, A>G on the plus strand (T>C on the coding strand, the complement: QRICH2 is on the minus strand). VCF-style: chr17-76293624-A-G. GRCh37 (hg19) VCF-style: chr17-74289705-A-G.
Other names: c.1103T>C, p.Leu368Ser (NM_032134.3); short protein forms L368S.
Identifiers: ClinVar variation 3060289 (VCV003060289.2), dbSNP rs6501880, ClinGen allele CA8784352.

ClinVar aggregate classification (germline): Benign (0 of 4 stars; one submission).

Conditions:
QRICH2-related disorder. Also called: QRICH2-related condition.

Allele frequency attached by ClinVar (database versions not stated): gnomAD exomes 0.30899; ExAC 0.34743; gnomAD 0.40050; ESP Exome Variant Server 0.40927; TOPMed 0.41799; 1000 Genomes Project 0.46266; 1000 Genomes Project 30x 0.46455.
gnomAD v4.1: 513,950 of 1,613,898 alleles (32%); highest among the groups gnomAD compares: African/African-American, 64%; 89,072 homozygotes.

Submission:

PreventionGenetics, part of Exact Sciences
Classification: Benign for QRICH2-related condition. Last evaluated: 2019-10-18. Review status: no assertion criteria provided. Collection method: clinical testing. Allele origin: germline.
Comment: This variant is classified as benign based on ACMG/AMP sequence variant interpretation guidelines (Richards et al. 2015 PMID: 25741868, with internal and published modifications).